The following is an entry in ClinVar:

NM_000017.4(ACADS):c.226_229dup (p.Leu77fs)

Gene: ACADS (acyl-CoA dehydrogenase short chain; plus strand). Cytogenetic location: 12q24.31.
Variant type: Microsatellite.
Coding change: c.226_229dup on transcript NM_000017.4 (MANE Select); coding-DNA positions 226 to 229, 4 bases duplicated (GGGC; older notation c.226_229dupGGGC).
Protein change: p.Leu77fs; shifts the reading frame from leucine 77.
Molecular consequence: frameshift variant.
Genome position (GRCh38, 1-based): chr12:120,737,001-120,737,004, GGGC duplicated; duplicating any 4 consecutive bases within chr12:120,736,997-120,737,004 gives the same sequence; the c. name uses the placement nearest the transcript's 3' end. VCF-style (leftmost placement, unchanged base first): chr12-120736996-T-TGGGC. GRCh37 (hg19) VCF-style: chr12-121174799-T-TGGGC.
Other names: c.226_229dup, p.Leu77fs (NM_001302554.2); short protein forms L77fs.
Identifiers: ClinVar variation 4704035 (VCV004704035.1).
Genomic context (GRCh38, chr12:120,736,996, plus strand): 5'-GGCTCGCCCCCGGCAGCTGCCCATGGCGTGCCGTCCTTCCCTGTGCCCAGGTGAAGAAGA[T>TGGGC]GGGCGGGCTTGGGCTTCTGGCCATGGACGTGCCCGAGGAGCTTGGCGGTGCTGGCCTCGA-3'

ClinVar aggregate classification (germline): Pathogenic (1 of 4 stars; one submission).

Conditions:
Deficiency of butyryl-CoA dehydrogenase (ACADSD). Also called: Short-Chain Acyl-CoA Dehydrogenase Deficiency; SCAD DEFICIENCY, MILD; ACYL-CoA DEHYDROGENASE, SHORT-CHAIN, DEFICIENCY OF; ACADS DEFICIENCY; SCADH DEFICIENCY; SCAD Deficiency. Identifiers: Orphanet 26792, MedGen C0342783, MONDO:0008722, OMIM 201470. Disease mechanism: May be benign.

Submission:

Labcorp Genetics (formerly Invitae), Labcorp
Classification: Pathogenic for Deficiency of butyryl-CoA dehydrogenase. Last evaluated: 2025-04-01. Review status: criteria provided, single submitter. Criteria: Invitae Variant Classification Sherloc (09022015). Collection method: clinical testing. Allele origin: germline.
Comment: This sequence change creates a premature translational stop signal (p.Leu77Argfs*72) in the ACADS gene. It is expected to result in an absent or disrupted protein product. Loss-of-function variants in ACADS are known to be pathogenic (PMID: 12736383, 18523805). This variant is not present in population databases (gnomAD no frequency). This variant has not been reported in the literature in individuals affected with ACADS-related conditions. For these reasons, this variant has been classified as Pathogenic.

Literature cited by the submitters: PubMed 12736383; PubMed 18523805.